The following is an entry in ClinVar:

ClinVar aggregate classification (germline): Likely benign. Review status: criteria provided, multiple submitters, no conflicts (2 of 4 stars). 5 submissions from 5 submitters: Likely benign (4). 1 of the submissions does not count toward it. Last evaluated 2026-03-01.

Conditions:
RECQL4-related disorder. Also called: RECQL4-related disorders; RECQL4-related condition.
Baller-Gerold syndrome (BGS). Also called: CRANIOSYNOSTOSIS WITH RADIAL DEFECTS. Identifiers: Orphanet 1225, MedGen C0265308, MONDO:0009039, OMIM 218600.
Inborn genetic diseases. Identifiers: MedGen C0950123, MeSH D030342.

Allele frequency attached by ClinVar (database versions not stated): gnomAD exomes 0.00006; ExAC 0.00009; gnomAD 0.00014; TOPMed 0.00018; ESP Exome Variant Server 0.00024; 1000 Genomes Project 0.00040; 1000 Genomes Project 30x 0.00047.

Submissions (5):

CeGaT Center for Human Genetics Tuebingen
Classification: Likely benign. Last evaluated: 2026-03-01. Review status: criteria provided, single submitter. Criteria: CeGaT Center For Human Genetics Tuebingen Variant Classification Criteria Version 2. Collection method: clinical testing. Allele origin: germline. Affected: yes. Observed: 1 variant allele.
Comment: RECQL4: BP4, BP7

Labcorp Genetics (formerly Invitae), Labcorp
Classification: Likely benign for Baller-Gerold syndrome. Last evaluated: 2026-01-24. Review status: criteria provided, single submitter. Criteria: Invitae Variant Classification Sherloc (09022015). Collection method: clinical testing. Allele origin: germline.

Ambry Genetics
Classification: Likely benign for Inborn genetic diseases. Last evaluated: 2024-11-26. Review status: criteria provided, single submitter. Criteria: Ambry Variant Classification Scheme 2023. Collection method: clinical testing. Allele origin: germline.

Blueprint Genetics
Classification: Likely benign. Last evaluated: 2024-06-05. Review status: criteria provided, single submitter. Criteria: ACMG Guidelines, 2015. Collection method: clinical testing. Allele origin: germline.

PreventionGenetics, part of Exact Sciences
Classification: Likely benign for RECQL4-related condition. Last evaluated: 2023-01-04. Review status: no assertion criteria provided. Collection method: clinical testing. Allele origin: germline. Not counted in ClinVar's aggregate classification.
Comment: This variant is classified as likely benign based on ACMG/AMP sequence variant interpretation guidelines (Richards et al. 2015 PMID: 25741868, with internal and published modifications).

NM_004260.4(RECQL4):c.2112C>T (p.Ile704=)

Gene: RECQL4 (RecQ like helicase 4; minus strand). Cytogenetic location: 8q24.3.
Variant type: single nucleotide variant.
Coding change: c.2112C>T on transcript NM_004260.4 (MANE Select); coding-DNA position 2112, C replaced by T.
Protein change: p.Ile704=; no amino-acid change (isoleucine 704 retained).
Molecular consequence: synonymous variant.
Genome position (GRCh38, 1-based): chr8:144,513,659, G>A on the plus strand (C>T on the coding strand, the complement: RECQL4 is on the minus strand). VCF-style: chr8-144513659-G-A. GRCh37 (hg19) VCF-style: chr8-145739043-G-A.
Identifiers: ClinVar variation 459376 (VCV000459376.19), dbSNP rs368140492, ClinGen allele CA4948468.